The following is an entry in ClinVar:

ClinVar aggregate classification (germline): Uncertain significance (1 of 4 stars; one submission).

Submission:

Labcorp Genetics (formerly Invitae), Labcorp
Classification: Uncertain significance. Last evaluated: 2024-02-16. Review status: criteria provided, single submitter. Criteria: Invitae Variant Classification Sherloc (09022015). Collection method: clinical testing. Allele origin: germline.
Comment: This variant, c.2084_2089del, results in the deletion of 2 amino acid(s) of the SAMD9 protein (p.Tyr695_Phe696del), but otherwise preserves the integrity of the reading frame. This variant is present in population databases (rs752055246, gnomAD 0.002%). This variant has not been reported in the literature in individuals affected with SAMD9-related conditions. Experimental studies and prediction algorithms are not available or were not evaluated, and the functional significance of this variant is currently unknown. In summary, the available evidence is currently insufficient to determine the role of this variant in disease. Therefore, it has been classified as a Variant of Uncertain Significance.

NM_017654.4(SAMD9):c.2078ACTTCT[1] (p.Tyr695_Phe696del)

Gene: SAMD9 (sterile alpha motif domain containing 9; minus strand). Cytogenetic location: 7q21.2.
Variant type: Microsatellite.
Coding change: c.2078ACTTCT[1] on transcript NM_017654.4 (MANE Select); one copy of the 6-base unit ACTTCT starting at c.2078; the reference has two copies in a row; one copy, 6 bases deleted.
Protein change: p.Tyr695_Phe696del.
Molecular consequence: inframe deletion.
Genome position (GRCh38, 1-based): chr7:93,104,009-93,104,014, AGAAGT deleted on the plus strand (ACTTCT on the coding strand, the reverse complement: SAMD9 is on the minus strand); deleting any 6 consecutive bases within chr7:93,104,009-93,104,020 gives the same sequence; the position shown is the placement nearest the transcript's 3' end. VCF-style (leftmost placement, unchanged base first): chr7-93104008-GAGAAGT-G. GRCh37 (hg19) VCF-style: chr7-92733321-GAGAAGT-G.
Other names: c.2078ACTTCT[1], p.Tyr695_Phe696del (NM_001193307.2).
Identifiers: ClinVar variation 1937034 (VCV001937034.5), dbSNP rs752055246, ClinGen allele CA4342891.